The following is an entry in ClinVar:

ClinVar aggregate classification (germline): Uncertain significance. Review status: criteria provided, multiple submitters, no conflicts (2 of 4 stars). 2 submissions from 2 submitters: Uncertain significance (2). Last evaluated 2022-04-16.

Conditions:
Short-rib thoracic dysplasia 14 with polydactyly (SRTD14). Identifiers: Orphanet 397715, MedGen C4225286, MONDO:0014688, OMIM 616546.
Joubert syndrome 23 (JBTS23). Identifiers: Orphanet 475, MedGen C4084822, MONDO:0014664, OMIM 616490.

Allele frequency attached by ClinVar (database versions not stated): gnomAD exomes 0.00001.
gnomAD v4.1: 3 of 1,611,092 alleles (0.00019%); highest among the groups gnomAD compares: Admixed American, 0.005%; no homozygotes.

Submissions (2):

Labcorp Genetics (formerly Invitae), Labcorp
Classification: Uncertain significance for Joubert syndrome 23; Short-rib thoracic dysplasia 14 with polydactyly. Last evaluated: 2022-04-16. Review status: criteria provided, single submitter. Criteria: Invitae Variant Classification Sherloc (09022015). Collection method: clinical testing. Allele origin: germline.
Comment: This sequence change replaces glutamic acid, which is acidic and polar, with glycine, which is neutral and non-polar, at codon 857 of the KIAA0586 protein (p.Glu857Gly). This variant is not present in population databases (gnomAD no frequency). This variant has not been reported in the literature in individuals affected with KIAA0586-related conditions. Algorithms developed to predict the effect of missense changes on protein structure and function are either unavailable or do not agree on the potential impact of this missense change (SIFT: "Deleterious"; PolyPhen-2: "Benign"; Align-GVGD: "Class C0"). In summary, the available evidence is currently insufficient to determine the role of this variant in disease. Therefore, it has been classified as a Variant of Uncertain Significance.

Breakthrough Genomics
Classification: Uncertain significance. Review status: criteria provided, single submitter. Criteria: ACMG Guidelines, 2015. Collection method: not provided. Allele origin: germline. Inheritance: Autosomal recessive inheritance. Affected: yes.

NM_001329943.3(KIAA0586):c.2411A>G (p.Glu804Gly)

Gene: KIAA0586 (KIAA0586; plus strand). Cytogenetic location: 14q23.1.
Variant type: single nucleotide variant.
Coding change: c.2411A>G on transcript NM_001329943.3 (MANE Select); coding-DNA position 2411, A replaced by G.
Protein change: p.Glu804Gly; replaces glutamic acid 804 with glycine.
Molecular consequence: missense variant.
Genome position (GRCh38, 1-based): chr14:58,467,891, A>G. VCF-style: chr14-58467891-A-G. GRCh37 (hg19) VCF-style: chr14-58934609-A-G.
Other names: c.2570A>G, p.Glu857Gly (NM_001244189.2); c.2366A>G, p.Glu789Gly (NM_001244190.2); c.2156A>G, p.Glu719Gly (NM_001244191.2, NM_001329945.2, NM_001364700.1 and 1 more transcripts); c.2279A>G, p.Glu760Gly (NM_001244192.2); c.1991A>G, p.Glu664Gly (NM_001244193.2); c.2411A>G, p.Glu804Gly (NM_001329944.2, NM_001329946.2, NM_001329947.2); c.2183A>G, p.Glu728Gly (NM_014749.5); short protein forms E719G, E804G, E728G, E789G, E857G, E664G, E760G.
Identifiers: ClinVar variation 1370421 (VCV001370421.6), dbSNP rs1302610013, ClinGen allele CA389875470.